The following is an entry in ClinVar:

ClinVar aggregate classification (germline): Uncertain significance (1 of 4 stars; one submission).

gnomAD v4.1: 1 of 1,612,514 alleles (0.000062%); highest among the groups gnomAD compares: African/African-American, 0.0013%; no homozygotes.

Submission:

Women's Health and Genetics/Laboratory Corporation of America, LabCorp
Classification: Uncertain significance. Last evaluated: 2025-03-21. Review status: criteria provided, single submitter. Criteria: LabCorp Variant Classification Summary - May 2015. Collection method: clinical testing. Allele origin: germline.
Comment: Variant summary: MYO3A c.979G>C (p.Gly327Arg) results in a non-conservative amino acid change in the encoded protein sequence. Two of four in-silico tools predict a benign effect of the variant on protein function. The variant allele was found at a frequency of 4e-06 in 251412 control chromosomes. The available data on variant occurrences in the general population are insufficient to allow any conclusion about variant significance. To our knowledge, no occurrence of c.979G>C in individuals affected with Autosomal Recessive Nonsyndromic Hearing Loss 30 and no experimental evidence demonstrating its impact on protein function have been reported. No submitters have cited clinical-significance assessments for this variant to ClinVar. Based on the evidence outlined above, the variant was classified as uncertain significance.

NM_017433.5(MYO3A):c.979G>C (p.Gly327Arg)

Gene: MYO3A (myosin IIIA; plus strand). Cytogenetic location: 10p12.1.
Variant type: single nucleotide variant.
Coding change: c.979G>C on transcript NM_017433.5 (MANE Select); coding-DNA position 979, G replaced by C.
Protein change: p.Gly327Arg; replaces glycine 327 with arginine.
Molecular consequence: missense variant.
Genome position (GRCh38, 1-based): chr10:26,067,000, G>C. VCF-style: chr10-26067000-G-C. GRCh37 (hg19) VCF-style: chr10-26355929-G-C.
Other names: short protein forms G327R.
Identifiers: ClinVar variation 3896033 (VCV003896033.1).